The following is an entry in ClinVar:

ClinVar aggregate classification (germline): Likely pathogenic (1 of 4 stars; one submission).

Conditions:
RASA1-related disorder. Also called: RASA1-related condition.

Submission:

PreventionGenetics, part of Exact Sciences
Classification: Likely pathogenic for RASA1-related condition. Last evaluated: 2026-08-17. Review status: criteria provided, single submitter. Criteria: ACMG Guidelines, 2015. Collection method: clinical testing. Allele origin: germline.
Comment: The RASA1 c.683delA variant is predicted to result in a frameshift and premature protein termination (p.Asn228Thrfs*25). To our knowledge, this variant has not been reported in the literature or in a large population database (gnomAD), indicating this variant is rare. Frameshift variants in RASA1 are expected to be pathogenic. This variant is interpreted as likely pathogenic.

NM_002890.3(RASA1):c.683del (p.Asn228fs)

Genes: CCNH (cyclin H; minus strand), RASA1 (RAS p21 protein activator 1; plus strand). Cytogenetic location: 5q14.3.
Variant type: Deletion.
Coding change: c.683del on transcript NM_002890.3 (MANE Select); coding-DNA position 683, one base deleted (A; older notation c.683delA).
Protein change: p.Asn228fs; shifts the reading frame from asparagine 228.
Molecular consequence: frameshift variant. On other transcripts: intron variant (1).
Genome position (GRCh38, 1-based): chr5:87,331,491, A deleted; the last of 2 consecutive A bases (chr5:87,331,490-87,331,491); deleting either gives the same sequence. VCF-style (leftmost placement, unchanged base first): chr5-87331489-CA-C. GRCh37 (hg19) VCF-style: chr5-86627306-CA-C.
Other names: c.152del, p.Asn51fs (NM_022650.3); c.934-18695del (NM_001364075.2); short protein forms N51fs, N228fs.
Identifiers: ClinVar variation 4995949 (VCV004995949.1).